The following is an entry in ClinVar:

NM_016284.5(CNOT1):c.103-1G>C

Gene: CNOT1 (CCR4-NOT transcription complex subunit 1; minus strand). Cytogenetic location: 16q21.
Variant type: single nucleotide variant.
Coding change: c.103-1G>C on transcript NM_016284.5 (MANE Select); the canonical splice acceptor site of the intron before coding-DNA position 103, G replaced by C.
Molecular consequence: splice acceptor variant.
Genome position (GRCh38, 1-based): chr16:58,588,907, C>G on the plus strand (G>C on the coding strand, the complement: CNOT1 is on the minus strand). VCF-style: chr16-58588907-C-G. GRCh37 (hg19) VCF-style: chr16-58622811-C-G.
Other names: c.103-1G>C (NM_001265612.2, NM_206999.3).
Identifiers: ClinVar variation 2004632 (VCV002004632.4), dbSNP rs2544122503, ClinGen allele CA396158195.

ClinVar aggregate classification (germline): Uncertain significance (1 of 4 stars; one submission).

Submission:

Labcorp Genetics (formerly Invitae), Labcorp
Classification: Uncertain significance. Last evaluated: 2022-06-10. Review status: criteria provided, single submitter. Criteria: Invitae Variant Classification Sherloc (09022015). Collection method: clinical testing. Allele origin: germline.
Comment: Algorithms developed to predict the effect of sequence changes on RNA splicing suggest that this variant may disrupt the consensus splice site. In summary, the available evidence is currently insufficient to determine the role of this variant in disease. Therefore, it has been classified as a Variant of Uncertain Significance. This variant has not been reported in the literature in individuals affected with CNOT1-related conditions. This variant is not present in population databases (gnomAD no frequency). This sequence change affects an acceptor splice site in intron 2 of the CNOT1 gene. It is expected to disrupt RNA splicing. Variants that disrupt the donor or acceptor splice site typically lead to a loss of protein function (PMID: 16199547), however the current clinical and genetic evidence is not sufficient to establish whether loss-of-function variants in CNOT1 cause disease.

Literature cited by the submitters: PubMed 16199547.